The following is an entry in ClinVar:

ClinVar aggregate classification (germline): Uncertain significance (1 of 4 stars; one submission).

Allele frequency attached by ClinVar (database versions not stated): gnomAD exomes 0.00002 and 0.00005; gnomAD 0.00003; TOPMed 0.00003; ExAC 0.00007; 1000 Genomes Project 0.00020; 1000 Genomes Project 30x 0.00031.
gnomAD v4.1: 28 of 1,614,044 alleles (0.0017%); highest among the groups gnomAD compares: Admixed American, 0.01%; no homozygotes.

Submission:

GeneDx
Classification: Uncertain significance. Last evaluated: 2021-10-26. Review status: criteria provided, single submitter. Criteria: GeneDx Variant Classification Process June 2021. Collection method: clinical testing. Allele origin: germline. Affected: yes.
Comment: In silico analysis supports that this missense variant does not alter protein structure/function; Has not been previously published as pathogenic or benign to our knowledge

NM_018489.3(ASH1L):c.4603C>T (p.Arg1535Cys)

Gene: ASH1L (ASH1 like histone lysine methyltransferase; minus strand). Cytogenetic location: 1q22.
Variant type: single nucleotide variant.
Coding change: c.4603C>T on transcript NM_018489.3 (MANE Select); coding-DNA position 4603, C replaced by T.
Protein change: p.Arg1535Cys; replaces arginine 1535 with cysteine.
Molecular consequence: missense variant.
Genome position (GRCh38, 1-based): chr1:155,478,267, G>A on the plus strand (C>T on the coding strand, the complement: ASH1L is on the minus strand). VCF-style: chr1-155478267-G-A. GRCh37 (hg19) VCF-style: chr1-155448058-G-A.
Other names: c.4603C>T, p.Arg1535Cys (NM_001366177.2); short protein forms R1535C.
Identifiers: ClinVar variation 1320652 (VCV001320652.2), dbSNP rs563815033, ClinGen allele CA1146913.
Genomic context (GRCh38, chr1:155,478,267, plus strand): 5'-GTTCCTCTCTGTTTATTAAGCTTTTTGAAGGAGAGAGATGAGGGCAGGACATGTGACAAC[G>A]GTGCTTTTCCTTATGCTTATATCGCTCTCCAACAGCATCCTTTCCAAATCTATAGCGCTT-3'
Protein context (NP_060959.2, residues 1525-1545): GERYKHKEKH[Arg1535Cys]CHMSCPHLSP